The following is an entry in ClinVar:

ClinVar aggregate classification (germline): Uncertain significance (1 of 4 stars; one submission).

Conditions:
Wilson disease (WND). Also called: Wilson's disease. Identifiers: Orphanet 905, MedGen C0019202, MONDO:0010200, OMIM 277900. Disease mechanism: loss of function.

Allele frequency attached by ClinVar (database versions not stated): gnomAD exomes below 0.00001; ExAC 0.00001.
gnomAD v4.1: 2 of 1,614,232 alleles (0.00012%); highest among the groups gnomAD compares: Admixed American, 0.0033%; no homozygotes.

Submission:

All of Us Research Program, National Institutes of Health
Classification: Uncertain significance for Wilson disease. Last evaluated: 2023-04-10. Review status: criteria provided, single submitter. Criteria: ACMG Guidelines, 2015. Collection method: clinical testing. Allele origin: germline. Inheritance: Autosomal recessive inheritance. Observed: 1 variant allele, 1 heterozygote.
Comment: This missense variant replaces alanine with threonine at codon 131 of the ATP7B protein. Computational prediction suggests that this variant may not impact protein structure and function (internally defined REVEL score threshold <= 0.5, PMID: 27666373). To our knowledge, functional studies have not been reported for this variant. This variant has not been reported in individuals affected with ATP7B-related disorders in the literature. This variant has been identified in 2/249344 chromosomes in the general population by the Genome Aggregation Database (gnomAD). The available evidence is insufficient to determine the role of this variant in disease conclusively. Therefore, this variant is classified as a Variant of Uncertain Significance.

This study involves interpretation of variants in research participants for the purpose of population health screening. Participant phenotype was not available at the time of variant classification. Additional details can be found in publication PMID: 35346344, PMCID: PMC8962531

NM_000053.4(ATP7B):c.391G>A (p.Ala131Thr)

Gene: ATP7B (ATPase copper transporting beta; minus strand). Cytogenetic location: 13q14.3.
Variant type: single nucleotide variant.
Coding change: c.391G>A on transcript NM_000053.4 (MANE Select); coding-DNA position 391, G replaced by A.
Protein change: p.Ala131Thr; replaces alanine 131 with threonine.
Molecular consequence: missense variant.
Genome position (GRCh38, 1-based): chr13:51,974,829, C>T on the plus strand (G>A on the coding strand, the complement: ATP7B is on the minus strand). VCF-style: chr13-51974829-C-T. GRCh37 (hg19) VCF-style: chr13-52548965-C-T.
Other names: c.391G>A, p.Ala131Thr (NM_001406513.1, NM_001406514.1, NM_001406515.1 and 30 more transcripts); c.295G>A, p.Ala99Thr (NM_001406517.1, NM_001406518.1, NM_001406536.1 and 4 more transcripts); short protein forms A131T, A99T.
Identifiers: ClinVar variation 3070352 (VCV003070352.1), dbSNP rs779436433, ClinGen allele CA6989571.